The following is an entry in ClinVar:

NM_005502.4(ABCA1):c.5245A>G (p.Ile1749Val)

Gene: ABCA1 (ATP binding cassette subfamily A member 1; minus strand). Cytogenetic location: 9q31.1.
Variant type: single nucleotide variant.
Coding change: c.5245A>G on transcript NM_005502.4 (MANE Select); coding-DNA position 5245, A replaced by G.
Protein change: p.Ile1749Val; replaces isoleucine 1749 with valine.
Molecular consequence: missense variant.
Genome position (GRCh38, 1-based): chr9:104,796,190, T>C on the plus strand (A>G on the coding strand, the complement: ABCA1 is on the minus strand). VCF-style: chr9-104796190-T-C. GRCh37 (hg19) VCF-style: chr9-107558471-T-C.
Other names: p.Ile1749Val; short protein forms I1749V.
Identifiers: ClinVar variation 912803 (VCV000912803.9), dbSNP rs760346286, ClinGen allele CA5167897.

ClinVar aggregate classification (germline): Conflicting classifications of pathogenicity. Review status: criteria provided, conflicting classifications (1 of 4 stars). 5 submissions from 4 submitters: Uncertain significance (3); Benign (1); Likely benign (1). Last evaluated 2026-01-27.

Conditions:
Tangier disease (TGD). Also called: HIGH DENSITY LIPOPROTEIN DEFICIENCY, TANGIER TYPE; HIGH DENSITY LIPOPROTEIN DEFICIENCY, TYPE 1; Cholesterol thesaurismosis. Identifiers: Orphanet 31150, MedGen C0039292, MONDO:0008783, OMIM 205400.
Hypoalphalipoproteinemia, primary, 1. Identifiers: Orphanet 425, MedGen C5231558, MONDO:0011393, OMIM 604091.

Allele frequency attached by ClinVar (database versions not stated): gnomAD 0.00005 and 0.00006; TOPMed 0.00005; gnomAD exomes 0.00009 and 0.00015; ExAC 0.00010.
gnomAD v4.1: 218 of 1,614,064 alleles (0.014%); highest among the groups gnomAD compares: Non-Finnish European, 0.017%; no homozygotes.

Submissions (5):

Labcorp Genetics (formerly Invitae), Labcorp
Classification: Likely benign. Last evaluated: 2026-01-27. Review status: criteria provided, single submitter. Criteria: Invitae Variant Classification Sherloc (09022015). Collection method: clinical testing. Allele origin: germline.

Women's Health and Genetics/Laboratory Corporation of America, LabCorp
Classification: Uncertain significance. Last evaluated: 2025-01-29. Review status: criteria provided, single submitter. Criteria: LabCorp Variant Classification Summary - May 2015. Collection method: clinical testing. Allele origin: germline.
Comment: Variant summary: ABCA1 c.5245A>G (p.Ile1749Val) results in a conservative amino acid change in the encoded protein sequence. Four of five in-silico tools predict a benign effect of the variant on protein function. The variant allele was found at a frequency of 8.8e-05 in 251278 control chromosomes (gnomAD). This frequency is not significantly higher than estimated for a pathogenic variant in ABCA1 causing Tangier Disease (8.8e-05 vs 0.0025), allowing no conclusion about variant significance. c.5245A>G has been reported in the literature in individuals affected with ABCA1-related conditions (Motazacker_2013, Dron_2020). These report(s) do not provide unequivocal conclusions about association of the variant with Tangier Disease. To our knowledge, no experimental evidence demonstrating an impact on protein function has been reported. The following publications have been ascertained in the context of this evaluation (PMID: 23685560, 32041611). ClinVar contains an entry for this variant (Variation ID: 912803). Based on the evidence outlined above, the variant was classified as uncertain significance.

Mayo Clinic Laboratories, Mayo Clinic
Classification: Uncertain significance. Last evaluated: 2024-03-01. Review status: criteria provided, single submitter. Criteria: ACMG Guidelines, 2015. Collection method: clinical testing. Allele origin: germline. Observed: 1 variant allele.

Illumina Laboratory Services, Illumina
Classification: Benign for Hypoalphalipoproteinemia, primary, 1. Last evaluated: 2017-08-16. Review status: criteria provided, single submitter. Criteria: ICSL Variant Classification Criteria 13 December 2019. Collection method: clinical testing. Allele origin: germline.
Comment: This variant was observed as part of a predisposition screen in an ostensibly healthy population. A literature search was performed for the gene, cDNA change, and amino acid change (where applicable). Publications were found based on this search. The evidence from the literature, in combination with allele frequency data from public databases where available, was sufficient to rule this variant out of causing disease. Therefore, this variant is classified as benign.

Illumina Laboratory Services, Illumina
Classification: Uncertain significance for Tangier disease. Last evaluated: 2017-08-16. Review status: criteria provided, single submitter. Criteria: ICSL Variant Classification Criteria 13 December 2019. Collection method: clinical testing. Allele origin: germline.

Literature cited by the submitters: PubMed 23685560 (cited by 3 submitters); PubMed 32041611 (cited by Women's Health and Genetics/Laboratory Corporation of America, LabCorp and Mayo Clinic Laboratories, Mayo Clinic).